The following is an entry in ClinVar:

ClinVar aggregate classification (germline): Likely benign. Review status: criteria provided, multiple submitters, no conflicts (2 of 4 stars). 2 submissions from 2 submitters: Likely benign (2). Last evaluated 2025-12-19.

Conditions:
ACOX2-related disorder. Also called: ACOX2-related condition.

Allele frequency attached by ClinVar (database versions not stated): ExAC 0.00006; ESP Exome Variant Server 0.00015; 1000 Genomes Project 30x 0.00016; gnomAD 0.00017; TOPMed 0.00019; 1000 Genomes Project 0.00020.
gnomAD v4.1: 75 of 1,614,168 alleles (0.0046%); highest among the groups gnomAD compares: African/African-American, 0.057%; no homozygotes.

Submissions (2):

Labcorp Genetics (formerly Invitae), Labcorp
Classification: Likely benign. Last evaluated: 2025-12-19. Review status: criteria provided, single submitter. Criteria: Invitae Variant Classification Sherloc (09022015). Collection method: clinical testing. Allele origin: germline.

PreventionGenetics, part of Exact Sciences
Classification: Likely benign for ACOX2-related condition. Last evaluated: 2025-01-21. Review status: criteria provided, single submitter. Criteria: ACMG Guidelines, 2015. Collection method: clinical testing. Allele origin: germline.
Comment: This variant is classified as likely benign based on ACMG/AMP sequence variant interpretation guidelines (Richards et al. 2015 PMID: 25741868, with internal and published modifications).

NM_003500.4(ACOX2):c.315C>T (p.Tyr105=)

Gene: ACOX2 (acyl-CoA oxidase 2; minus strand). Cytogenetic location: 3p14.3.
Variant type: single nucleotide variant.
Coding change: c.315C>T on transcript NM_003500.4 (MANE Select); coding-DNA position 315, C replaced by T.
Protein change: p.Tyr105=; no amino-acid change (tyrosine 105 retained).
Molecular consequence: synonymous variant.
Genome position (GRCh38, 1-based): chr3:58,534,368, G>A on the plus strand (C>T on the coding strand, the complement: ACOX2 is on the minus strand). VCF-style: chr3-58534368-G-A. GRCh37 (hg19) VCF-style: chr3-58520095-G-A.
Other names: c.315C>T (NM_003500.3).
Identifiers: ClinVar variation 2920167 (VCV002920167.4), dbSNP rs146624586, ClinGen allele CA2472459.